The following is an entry in ClinVar:

NM_001023.4(RPS20):c.141T>C (p.Asn47=)

Gene: RPS20 (ribosomal protein S20; minus strand). Cytogenetic location: 8q12.1.
Variant type: single nucleotide variant.
Coding change: c.141T>C on transcript NM_001023.4 (MANE Select); coding-DNA position 141, T replaced by C.
Protein change: p.Asn47=; no amino-acid change (asparagine 47 retained).
Molecular consequence: synonymous variant.
Genome position (GRCh38, 1-based): chr8:56,073,731, A>G on the plus strand (T>C on the coding strand, the complement: RPS20 is on the minus strand). VCF-style: chr8-56073731-A-G. GRCh37 (hg19) VCF-style: chr8-56986290-A-G.
Other names: c.141T>C, p.Asn47= (NM_001146227.3).
Identifiers: ClinVar variation 1772235 (VCV001772235.3), dbSNP rs1554524612, ClinGen allele CA4754370.
Genomic context (GRCh38, chr8:56,073,731, plus strand): 5'-TCCTGCCCCTCCGATTTACTTTACCTTGGTAGGCATTCGAACTGGTCCTTTCACTTTGAG[A>G]TTCTTTTCTTTTGCGCCTCTTATCAAGTCAGCACACACTACAGGAAATAAAAGACCTCTC-3'
Protein context (NP_001014.1, residues 37-57): ADLIRGAKEK[Asn47=]LKVKGPVRMP

ClinVar aggregate classification (germline): Benign/Likely benign. Review status: criteria provided, multiple submitters, no conflicts (2 of 4 stars). 2 submissions from 2 submitters: Benign (1); Likely benign (1). Last evaluated 2026-08-03.

Conditions:
Familial colorectal cancer type X. Identifiers: Orphanet 440437, MedGen C3896578, MONDO:0018604.

Allele frequency attached by ClinVar (database versions not stated): gnomAD exomes 0.00001; ExAC 0.00001.
gnomAD v4.1: 11 of 1,614,110 alleles (0.00068%); highest among the groups gnomAD compares: East Asian, 0.011%; no homozygotes.

Submissions (2):

Myriad Genetics, Inc.
Classification: Benign for Familial colorectal cancer type X. Last evaluated: 2026-08-03. Review status: criteria provided, single submitter. Criteria: Myriad Autosomal Dominant, Autosomal Recessive and X-Linked Classification Criteria (2023). Collection method: clinical testing. Allele origin: unknown.
Comment: This variant is considered benign. This variant is a silent/synonymous amino acid change and it is not expected to impact splicing.

Ambry Genetics
Classification: Likely benign. Last evaluated: 2021-10-22. Review status: criteria provided, single submitter. Criteria: Ambry Variant Classification Scheme 2023. Collection method: clinical testing. Allele origin: germline.